The following is an entry in ClinVar:

NM_020822.3(KCNT1):c.1769+16A>G

Gene: KCNT1 (potassium sodium-activated channel subfamily T member 1; plus strand). Cytogenetic location: 9q34.3.
Variant type: single nucleotide variant.
Coding change: c.1769+16A>G on transcript NM_020822.3 (MANE Select); 16 bases into the intron after coding-DNA position 1769, A replaced by G.
Molecular consequence: intron variant.
Genome position (GRCh38, 1-based): chr9:135,770,463, A>G. VCF-style: chr9-135770463-A-G. GRCh37 (hg19) VCF-style: chr9-138662309-A-G.
Other names: c.1634+16A>G (NM_001272003.2).
Identifiers: ClinVar variation 194782 (VCV000194782.23), dbSNP rs10776844, ClinGen allele CA201351.

ClinVar aggregate classification (germline): Benign. Review status: criteria provided, multiple submitters, no conflicts (2 of 4 stars). 10 submissions from 9 submitters: Benign (8). 2 of the submissions do not count toward it. Last evaluated 2026-02-04.

Conditions:
Developmental and epileptic encephalopathy, 14 (DEE14). Also called: Early infantile epileptic encephalopathy 14. Identifiers: Orphanet 293181, MedGen C3554195, MONDO:0013989, OMIM 614959.
Autosomal dominant nocturnal frontal lobe epilepsy 5. Also called: Epilepsy, nocturnal frontal lobe, 5; CILIARY DYSKINESIA, PRIMARY, 28, WITHOUT SITUS INVERSUS; CILIARY DYSKINESIA, PRIMARY, 28, WITH SITUS INVERSUS; KCNT1-Related Epilepsy. Identifiers: Orphanet 98784, MedGen C3554306, MONDO:0014002, OMIM 615005.

Allele frequency attached by ClinVar (database versions not stated): gnomAD exomes 0.70697; TOPMed 0.71043; ExAC 0.71263; gnomAD 0.72033 and 0.72210; ESP Exome Variant Server 0.72808; 1000 Genomes Project 30x 0.74235; 1000 Genomes Project 0.74421.
gnomAD v4.1: 1,141,010 of 1,600,964 alleles (71%); highest among the groups gnomAD compares: South Asian, 78%; 407,736 homozygotes.

Submissions (10):

Labcorp Genetics (formerly Invitae), Labcorp
Classification: Benign for Autosomal dominant nocturnal frontal lobe epilepsy 5; Developmental and epileptic encephalopathy, 14. Last evaluated: 2026-02-04. Review status: criteria provided, single submitter. Criteria: Invitae Variant Classification Sherloc (09022015). Collection method: clinical testing. Allele origin: germline.

Unidad de Genómica Garrahan, Hospital de Pediatría Garrahan
Classification: Benign. Last evaluated: 2024-07-15. Review status: criteria provided, single submitter. Criteria: ACMG Guidelines, 2015. Collection method: clinical testing. Allele origin: germline. Affected: no. Observed: 80 variant alleles.
Comment: This variant is classified as Benign based on local population frequency. This variant was detected in 86% of patients studied in a panel designed for Epileptic and Developmental Encephalopathy and Progressive Myoclonus Epilepsy. Number of patients: 80. Only high quality variants are reported.

Genome-Nilou Lab
Classification: Benign for Developmental and epileptic encephalopathy, 14. Last evaluated: 2021-08-19. Review status: criteria provided, single submitter. Criteria: ACMG Guidelines, 2015. Collection method: clinical testing. Allele origin: germline. Affected: no.

Genome-Nilou Lab
Classification: Benign for Autosomal dominant nocturnal frontal lobe epilepsy 5. Last evaluated: 2021-08-19. Review status: criteria provided, single submitter. Criteria: ACMG Guidelines, 2015. Collection method: clinical testing. Allele origin: germline. Affected: no.

GeneDx
Classification: Benign. Last evaluated: 2015-03-03. Review status: criteria provided, single submitter. Criteria: GeneDx Variant Classification Process June 2021. Collection method: clinical testing. Allele origin: germline. Affected: yes.

Eurofins Ntd Llc (ga)
Classification: Benign. Last evaluated: 2014-09-04. Review status: criteria provided, single submitter. Criteria: EGL Classification Definitions 2015. Collection method: clinical testing. Allele origin: germline. Observed: 1 variant allele, 1 homozygote.

Breakthrough Genomics
Classification: Benign. Review status: criteria provided, single submitter. Criteria: ACMG Guidelines, 2015. Collection method: not provided. Allele origin: germline. Inheritance: Autosomal dominant inheritance. Affected: yes.

PreventionGenetics, part of Exact Sciences
Classification: Benign. Review status: criteria provided, single submitter. Criteria: ACMG Guidelines, 2015. Collection method: clinical testing. Allele origin: germline.

Clinical Genetics, Academic Medical Center
Classification: Benign. Review status: no assertion criteria provided. Collection method: clinical testing. Allele origin: germline. Affected: yes. Study: VKGL Data-share Consensus. Not counted in ClinVar's aggregate classification.

Diagnostic Laboratory, Department of Genetics, University Medical Center Groningen
Classification: Benign. Review status: no assertion criteria provided. Collection method: clinical testing. Allele origin: germline. Affected: yes. Study: VKGL Data-share Consensus. Not counted in ClinVar's aggregate classification.